The following is an entry in ClinVar:

ClinVar aggregate classification (germline): Uncertain significance. Review status: criteria provided, multiple submitters, no conflicts (2 of 4 stars). 2 submissions from 2 submitters: Uncertain significance (2). Last evaluated 2025-05-21.

Conditions:
Inborn genetic diseases. Identifiers: MedGen C0950123, MeSH D030342.
Evans syndrome, immunodeficiency, and premature immunosenescence associated with tripeptidyl-peptidase II deficiency. Identifiers: MedGen CN231723. Disease mechanism: loss of function.

Allele frequency attached by ClinVar (database versions not stated): gnomAD exomes 0.00001; TOPMed 0.00002; ExAC 0.00002.

Submissions (2):

Ambry Genetics
Classification: Uncertain significance for Inborn genetic diseases. Last evaluated: 2025-05-21. Review status: criteria provided, single submitter. Criteria: Ambry Variant Classification Scheme 2023. Collection method: clinical testing. Allele origin: germline.

Labcorp Genetics (formerly Invitae), Labcorp
Classification: Uncertain significance for Evans syndrome, immunodeficiency, and premature immunosenescence associated with tripeptidyl-peptidase II deficiency. Last evaluated: 2022-04-06. Review status: criteria provided, single submitter. Criteria: Invitae Variant Classification Sherloc (09022015). Collection method: clinical testing. Allele origin: germline.
Comment: This sequence change replaces lysine, which is basic and polar, with glutamic acid, which is acidic and polar, at codon 136 of the TPP2 protein (p.Lys136Glu). This variant is present in population databases (rs768022515, gnomAD 0.02%). This variant has not been reported in the literature in individuals affected with TPP2-related conditions. Algorithms developed to predict the effect of missense changes on protein structure and function are either unavailable or do not agree on the potential impact of this missense change (SIFT: "Tolerated"; PolyPhen-2: "Possibly Damaging"; Align-GVGD: "Class C0"). In summary, the available evidence is currently insufficient to determine the role of this variant in disease. Therefore, it has been classified as a Variant of Uncertain Significance.

NM_001330588.2(TPP2):c.406A>G (p.Lys136Glu)

Gene: TPP2 (tripeptidyl peptidase 2; plus strand). Cytogenetic location: 13q33.1.
Variant type: single nucleotide variant.
Coding change: c.406A>G on transcript NM_001330588.2 (MANE Select); coding-DNA position 406, A replaced by G.
Protein change: p.Lys136Glu; replaces lysine 136 with glutamic acid.
Molecular consequence: missense variant. On other transcripts: non-coding transcript variant (1).
Genome position (GRCh38, 1-based): chr13:102,616,411, A>G. VCF-style: chr13-102616411-A-G. GRCh37 (hg19) VCF-style: chr13-103268761-A-G.
Other names: c.406A>G, p.Lys136Glu (NM_001367947.1, NM_003291.4); c.406A>G (NM_003291.2); short protein forms K136E.
Identifiers: ClinVar variation 2161834 (VCV002161834.2), dbSNP rs768022515, ClinGen allele CA7037513.